The following is an entry in ClinVar:

NM_001035.3(RYR2):c.4122A>G (p.Lys1374=)

Genes: RYR2 (ryanodine receptor 2; plus strand), LOC126806067 (BRD4-independent group 4 enhancer GRCh37_chr1:237753258-237754457; plus strand). Cytogenetic location: 1q43.
Variant type: single nucleotide variant.
Coding change: c.4122A>G on transcript NM_001035.3 (MANE Select); coding-DNA position 4122, A replaced by G.
Protein change: p.Lys1374=; no amino-acid change (lysine 1374 retained).
Molecular consequence: synonymous variant.
Genome position (GRCh38, 1-based): chr1:237,590,954, A>G. VCF-style: chr1-237590954-A-G. GRCh37 (hg19) VCF-style: chr1-237754254-A-G.
Identifiers: ClinVar variation 3385721 (VCV003385721.1).

ClinVar aggregate classification (germline): Likely benign (1 of 4 stars; one submission).

Conditions:
Catecholaminergic polymorphic ventricular tachycardia (CVPT). Also called: Catecholamine-induced polymorphic ventricular tachycardia. Identifiers: Orphanet 3286, MedGen C5574922, MONDO:0017990.

Submission:

All of Us Research Program, National Institutes of Health
Classification: Likely benign for Catecholaminergic polymorphic ventricular tachycardia. Last evaluated: 2024-03-14. Review status: criteria provided, single submitter. Criteria: ACMG Guidelines, 2015. Collection method: clinical testing. Allele origin: germline. Inheritance: Autosomal dominant inheritance. Observed: 1 variant allele, 1 heterozygote.
Comment: This study involves interpretation of variants in research participants for the purpose of population health screening. Participant phenotype was not available at the time of variant classification. Additional details can be found in publication PMID: 35346344, PMCID: PMC8962531